The following is an entry in ClinVar:

NM_007286.6(SYNPO):c.2685C>T (p.Leu895=)

Gene: SYNPO (synaptopodin; plus strand). Cytogenetic location: 5q33.1.
Variant type: single nucleotide variant.
Coding change: c.2685C>T on transcript NM_007286.6 (MANE Select); coding-DNA position 2685, C replaced by T.
Protein change: p.Leu895=; no amino-acid change (leucine 895 retained).
Molecular consequence: synonymous variant.
Genome position (GRCh38, 1-based): chr5:150,657,060, C>T. VCF-style: chr5-150657060-C-T. GRCh37 (hg19) VCF-style: chr5-150036622-C-T.
Identifiers: ClinVar variation 2053310 (VCV002053310.24), dbSNP rs200436305, ClinGen allele CA3513656.

ClinVar aggregate classification (germline): Benign/Likely benign. Review status: criteria provided, multiple submitters, no conflicts (2 of 4 stars). 2 submissions from 2 submitters: Benign (1); Likely benign (1). Last evaluated 2026-01-16.

Allele frequency attached by ClinVar (database versions not stated): ESP Exome Variant Server 0.00066; TOPMed 0.00096; gnomAD 0.00133; ExAC 0.00304.
gnomAD v4.1: 1,989 of 1,597,432 alleles (0.12%); highest among the groups gnomAD compares: Non-Finnish European, 0.14%; 6 homozygotes.

Submissions (2):

Labcorp Genetics (formerly Invitae), Labcorp
Classification: Benign. Last evaluated: 2026-01-16. Review status: criteria provided, single submitter. Criteria: Invitae Variant Classification Sherloc (09022015). Collection method: clinical testing. Allele origin: germline.

CeGaT Center for Human Genetics Tuebingen
Classification: Likely benign. Last evaluated: 2024-04-01. Review status: criteria provided, single submitter. Criteria: CeGaT Center For Human Genetics Tuebingen Variant Classification Criteria Version 2. Collection method: clinical testing. Allele origin: germline. Affected: yes. Observed: 1 variant allele.
Comment: SYNPO: BP4, BP7